The following is an entry in ClinVar:

ClinVar aggregate classification (germline): Likely benign. Review status: criteria provided, multiple submitters, no conflicts (2 of 4 stars). 3 submissions from 3 submitters: Likely benign (2). 1 of the submissions does not count toward it. Last evaluated 2023-12-21.

Conditions:
Joubert syndrome 5 (JBTS5). Identifiers: Orphanet 2318, MedGen C1857780, MONDO:0012432, OMIM 610188.
Bardet-Biedl syndrome 14 (BBS14). Identifiers: Orphanet 110, MedGen C2673874, MONDO:0014442, OMIM 615991.
Senior-Loken syndrome 6 (SLSN6). Identifiers: Orphanet 3156, MedGen C1857779, MONDO:0012433, OMIM 610189.
Leber congenital amaurosis 10 (LCA10). Identifiers: Orphanet 65, MedGen C1857821, MONDO:0012723, OMIM 611755.
Meckel syndrome, type 4 (MKS4). Also called: MECKEL-GRUBER SYNDROME, TYPE 4. Identifiers: Orphanet 564, MedGen C1970161, MONDO:0012626, OMIM 611134.
Joubert syndrome. Also called: CEREBELLOPARENCHYMAL DISORDER IV; JOUBERT-BOLTSHAUSER SYNDROME; Familial aplasia of the vermis. Identifiers: Orphanet 475, MedGen C5979921, MONDO:0018772.
Nephronophthisis. Also called: Juvenile Nephronophthisis. Identifiers: Orphanet 655, MedGen C0687120, MONDO:0019005, HP:0000090.
Meckel-Gruber syndrome. Also called: DYSENCEPHALIA SPLANCHNOCYSTICA; GRUBER SYNDROME; Dysencephalia splachnocystica. Identifiers: Orphanet 564, MedGen C0265215, MONDO:0018921.
CEP290-related disorder. Also called: CEP290-related disorders; CEP290-related condition. Identifiers: MedGen CN239314.

Allele frequency attached by ClinVar (database versions not stated): gnomAD exomes below 0.00001; ExAC 0.00002; TOPMed 0.00003; gnomAD 0.00004; ESP Exome Variant Server 0.00009.
gnomAD v4.1: 59 of 1,560,292 alleles (0.0038%); highest among the groups gnomAD compares: Non-Finnish European, 0.0048%; no homozygotes.

Submissions (3):

Labcorp Genetics (formerly Invitae), Labcorp
Classification: Likely benign for Joubert syndrome; Meckel-Gruber syndrome; Nephronophthisis. Last evaluated: 2023-12-21. Review status: criteria provided, single submitter. Criteria: Invitae Variant Classification Sherloc (09022015). Collection method: clinical testing. Allele origin: germline.

Fulgent Genetics
Classification: Likely benign for Joubert syndrome 5; Senior-Loken syndrome 6; Meckel syndrome, type 4; Leber congenital amaurosis 10; Bardet-Biedl syndrome 14. Last evaluated: 2022-05-20. Review status: criteria provided, single submitter. Criteria: ACMG Guidelines, 2015. Collection method: clinical testing. Allele origin: unknown.

PreventionGenetics, part of Exact Sciences
Classification: Likely benign for CEP290-related condition. Last evaluated: 2021-11-03. Review status: no assertion criteria provided. Collection method: clinical testing. Allele origin: germline. Not counted in ClinVar's aggregate classification.
Comment: This variant is classified as likely benign based on ACMG/AMP sequence variant interpretation guidelines (Richards et al. 2015 PMID: 25741868, with internal and published modifications).

NM_025114.4(CEP290):c.4809T>C (p.Ala1603=)

Gene: CEP290 (centrosomal protein 290; minus strand). Cytogenetic location: 12q21.32.
Variant type: single nucleotide variant.
Coding change: c.4809T>C on transcript NM_025114.4 (MANE Select); coding-DNA position 4809, T replaced by C.
Protein change: p.Ala1603=; no amino-acid change (alanine 1603 retained).
Molecular consequence: synonymous variant.
Genome position (GRCh38, 1-based): chr12:88,083,850, A>G on the plus strand (T>C on the coding strand, the complement: CEP290 is on the minus strand). VCF-style: chr12-88083850-A-G. GRCh37 (hg19) VCF-style: chr12-88477627-A-G.
Other names: c.4809T>C (NM_025114.3).
Identifiers: ClinVar variation 1116742 (VCV001116742.12), dbSNP rs372592245, ClinGen allele CA6711862.